The following is an entry in ClinVar:

ClinVar aggregate classification (germline): Likely benign. Review status: criteria provided, multiple submitters, no conflicts (2 of 4 stars). 2 submissions from 2 submitters: Likely benign (2). Last evaluated 2025-10-13.

Allele frequency attached by ClinVar (database versions not stated): gnomAD exomes 0.00003 and 0.00004; gnomAD 0.00004 and 0.00005; TOPMed 0.00004; ExAC 0.00005.
gnomAD v4.1: 50 of 1,613,416 alleles (0.0031%); highest among the groups gnomAD compares: Non-Finnish European, 0.0016%; no homozygotes.

Submissions (2):

Labcorp Genetics (formerly Invitae), Labcorp
Classification: Likely benign. Last evaluated: 2025-10-13. Review status: criteria provided, single submitter. Criteria: Invitae Variant Classification Sherloc (09022015). Collection method: clinical testing. Allele origin: germline.

CeGaT Center for Human Genetics Tuebingen
Classification: Likely benign. Last evaluated: 2024-11-01. Review status: criteria provided, single submitter. Criteria: CeGaT Center For Human Genetics Tuebingen Variant Classification Criteria Version 2. Collection method: clinical testing. Allele origin: germline. Affected: yes. Observed: 2 variant alleles.
Comment: CARMIL2: BP4, BP7

NM_001013838.3(CARMIL2):c.105G>A (p.Gly35=)

Gene: CARMIL2 (capping protein regulator and myosin 1 linker 2; plus strand). Cytogenetic location: 16q22.1.
Variant type: single nucleotide variant.
Coding change: c.105G>A on transcript NM_001013838.3 (MANE Select); coding-DNA position 105, G replaced by A.
Protein change: p.Gly35=; no amino-acid change (glycine 35 retained).
Molecular consequence: synonymous variant.
Genome position (GRCh38, 1-based): chr16:67,645,604, G>A. VCF-style: chr16-67645604-G-A. GRCh37 (hg19) VCF-style: chr16-67679507-G-A.
Other names: c.105G>A, p.Gly35= (NM_001317026.3).
Identifiers: ClinVar variation 1570094 (VCV001570094.30), dbSNP rs778818852, ClinGen allele CA8112924.
Genomic context (GRCh38, chr16:67,645,604, plus strand): 5'-GATCACCAGGTTCCTGTGGCCCAAAGAGGTGGAGCTGCTGCTGAAAACCTGGCTACCCGG[G>A]GAGGGTGCTGTGCAAAACCATGTCCTGGTATGGGGCAGGGGACAGAGCCGGGGAGGCGGC-3'
Protein context (NP_001013860.1, residues 25-45): VELLLKTWLP[Gly35=]EGAVQNHVLA